The following is an entry in ClinVar:

NM_006648.4(WNK2):c.76A>G (p.Met26Val)

Gene: WNK2 (WNK lysine deficient protein kinase 2; plus strand). Cytogenetic location: 9q22.31.
Variant type: single nucleotide variant.
Coding change: c.76A>G on transcript NM_006648.4 (MANE Select); coding-DNA position 76, A replaced by G.
Protein change: p.Met26Val; replaces methionine 26 with valine.
Molecular consequence: missense variant.
Genome position (GRCh38, 1-based): chr9:93,185,005, A>G. VCF-style: chr9-93185005-A-G. GRCh37 (hg19) VCF-style: chr9-95947287-A-G.
Other names: c.76A>G, p.Met26Val (NM_001282394.3); short protein forms M26V.
Identifiers: ClinVar variation 3981647 (VCV003981647.1).

ClinVar aggregate classification (germline): Uncertain significance (1 of 4 stars; one submission).

Submission:

Ambry Genetics
Classification: Uncertain significance. Last evaluated: 2025-03-15. Review status: criteria provided, single submitter. Criteria: Ambry Variant Classification Scheme 2023. Collection method: clinical testing. Allele origin: germline.
Comment: The p.M26V variant (also known as c.76A>G), located in coding exon 1 of the WNK2 gene, results from an A to G substitution at nucleotide position 76. The methionine at codon 26 is replaced by valine, an amino acid with highly similar properties. This amino acid position is conserved. In addition, this alteration is predicted to be tolerated by in silico analysis. Based on the available evidence, the clinical significance of this variant remains unclear.